The following is an entry in ClinVar:

ClinVar aggregate classification (germline): Uncertain significance. Review status: criteria provided, multiple submitters, no conflicts (2 of 4 stars). 2 submissions from 2 submitters: Uncertain significance (2). Last evaluated 2025-04-29.

Conditions:
Hereditary cancer-predisposing syndrome. Also called: Hereditary neoplastic syndrome; Hereditary Cancer Syndrome; Neoplastic Syndromes, Hereditary; Tumor predisposition. Identifiers: Orphanet 140162, MedGen C0027672, MeSH D009386, MONDO:0015356.
Birt-Hogg-Dube syndrome. Also called: Birt Hogg Dubé syndrome. Identifiers: Orphanet 122, MedGen C0346010, MONDO:0800444.

Submissions (2):

Ambry Genetics
Classification: Uncertain significance for Hereditary cancer-predisposing syndrome. Last evaluated: 2025-04-29. Review status: criteria provided, single submitter. Criteria: Ambry Variant Classification Scheme 2023. Collection method: clinical testing. Allele origin: germline.
Comment: The p.S337I variant (also known as c.1010G>T), located in coding exon 6 of the FLCN gene, results from a G to T substitution at nucleotide position 1010. The serine at codon 337 is replaced by isoleucine, an amino acid with dissimilar properties. This amino acid position is conserved. In addition, this alteration is predicted to be tolerated by in silico analysis. Based on the available evidence, the clinical significance of this variant remains unclear.

Labcorp Genetics (formerly Invitae), Labcorp
Classification: Uncertain significance for Birt-Hogg-Dube syndrome. Last evaluated: 2024-02-26. Review status: criteria provided, single submitter. Criteria: Invitae Variant Classification Sherloc (09022015). Collection method: clinical testing. Allele origin: germline.
Comment: This sequence change replaces serine, which is neutral and polar, with isoleucine, which is neutral and non-polar, at codon 337 of the FLCN protein (p.Ser337Ile). This variant is not present in population databases (gnomAD no frequency). This variant has not been reported in the literature in individuals affected with FLCN-related conditions. Advanced modeling of protein sequence and biophysical properties (such as structural, functional, and spatial information, amino acid conservation, physicochemical variation, residue mobility, and thermodynamic stability) performed at Invitae indicates that this missense variant is not expected to disrupt FLCN protein function with a negative predictive value of 80%. In summary, the available evidence is currently insufficient to determine the role of this variant in disease. Therefore, it has been classified as a Variant of Uncertain Significance.

NM_144997.7(FLCN):c.1010G>T (p.Ser337Ile)

Gene: FLCN (folliculin; minus strand). Cytogenetic location: 17p11.2.
Variant type: single nucleotide variant.
Coding change: c.1010G>T on transcript NM_144997.7 (MANE Select); coding-DNA position 1010, G replaced by T.
Protein change: p.Ser337Ile; replaces serine 337 with isoleucine.
Molecular consequence: missense variant.
Genome position (GRCh38, 1-based): chr17:17,219,071, C>A on the plus strand (G>T on the coding strand, the complement: FLCN is on the minus strand). VCF-style: chr17-17219071-C-A. GRCh37 (hg19) VCF-style: chr17-17122385-C-A.
Other names: c.1010G>T, p.Ser337Ile (NM_001353231.2, NM_001353230.2); c.1064G>T, p.Ser355Ile (NM_001353229.2); short protein forms S355I, S337I.
Identifiers: ClinVar variation 3643349 (VCV003643349.3).